The following is an entry in ClinVar:

NM_001291415.2(KDM6A):c.1256T>C (p.Ile419Thr)

Gene: KDM6A (lysine demethylase 6A; plus strand). Cytogenetic location: Xp11.3.
Variant type: single nucleotide variant.
Coding change: c.1256T>C on transcript NM_001291415.2 (MANE Select); coding-DNA position 1256, T replaced by C.
Protein change: p.Ile419Thr; replaces isoleucine 419 with threonine.
Molecular consequence: missense variant. On other transcripts: intron variant (6).
Genome position (GRCh38, 1-based): chrX:45,060,083, T>C. VCF-style: chrX-45060083-T-C. GRCh37 (hg19) VCF-style: chrX-44919328-T-C.
Other names: c.1256T>C, p.Ile419Thr (NM_001410742.1, NM_001419809.1, NM_001419810.1 and 4 more transcripts); c.1195-526T>C (NM_001419811.1, NM_001291416.2); c.1194+617T>C (NM_001291417.2, NM_001419815.1, NM_001291418.2); c.441+617T>C (NM_001291421.2); short protein forms I419T.
Identifiers: ClinVar variation 4536244 (VCV004536244.1).
Genomic context (GRCh38, chrX:45,060,083, plus strand): 5'-CTCAGTTGTGTAACCTTCCACAAGGTAGTCTACAGAATAAAACTAAATTACTTCCTAGTA[T>C]TGAGGAGGCGTGGAGCCTACCAATTCCCGCAGAGCTTACCTCCAGGCAGGGTGCCATGAA-3'
Protein context (NP_001278344.1, residues 409-429): LQNKTKLLPS[Ile419Thr]EEAWSLPIPA

ClinVar aggregate classification (germline): Uncertain significance (1 of 4 stars; one submission).

gnomAD v4.1: 2 of 1,210,767 alleles (0.00017%); highest among the groups gnomAD compares: Non-Finnish European, 0.00011%; no homozygotes.

Submission:

GeneDx
Classification: Uncertain significance. Last evaluated: 2025-06-05. Review status: criteria provided, single submitter. Criteria: GeneDx Variant Classification Process June 2021. Collection method: clinical testing. Allele origin: germline. Affected: yes.
Comment: Not observed at significant frequency in large population cohorts (gnomAD); In silico analysis supports that this missense variant has a deleterious effect on protein structure/function; Has not been previously published as pathogenic or benign to our knowledge